The following is an entry in ClinVar:

ClinVar aggregate classification (germline): Uncertain significance. Review status: criteria provided, multiple submitters, no conflicts (2 of 4 stars). 2 submissions from 2 submitters: Uncertain significance (2). Last evaluated 2025-10-25.

Conditions:
Charcot-Marie-Tooth disease dominant intermediate B (CMTDIB). Also called: CHARCOT-MARIE-TOOTH NEUROPATHY, DOMINANT INTERMEDIATE B; Charcot-Marie-Tooth disease dominant intermediate 1; CMT DI1; Charcot-Marie-Tooth disease dominant intermediate I. Identifiers: Orphanet 100044, Orphanet 228179, MedGen C1847902, MONDO:0011674, OMIM 606482.

Submissions (2):

Labcorp Genetics (formerly Invitae), Labcorp
Classification: Uncertain significance for Charcot-Marie-Tooth disease dominant intermediate B. Last evaluated: 2025-10-25. Review status: criteria provided, single submitter. Criteria: Invitae Variant Classification Sherloc (09022015). Collection method: clinical testing. Allele origin: germline.
Comment: This sequence change replaces lysine, which is basic and polar, with glutamic acid, which is acidic and polar, at codon 583 of the DNM2 protein (p.Lys583Glu). This variant is not present in population databases (gnomAD no frequency). This variant has not been reported in the literature in individuals affected with DNM2-related conditions. ClinVar contains an entry for this variant (Variation ID: 585793). Invitae Evidence Modeling of protein sequence and biophysical properties (such as structural, functional, and spatial information, amino acid conservation, physicochemical variation, residue mobility, and thermodynamic stability) has been performed for this missense variant. However, the output from this modeling did not meet the statistical confidence thresholds required to predict the impact of this variant on DNM2 protein function. In summary, the available evidence is currently insufficient to determine the role of this variant in disease. Therefore, it has been classified as a Variant of Uncertain Significance.

Athena Diagnostics
Classification: Uncertain significance. Last evaluated: 2018-03-16. Review status: criteria provided, single submitter. Criteria: Athena Diagnostics Criteria. Collection method: clinical testing. Allele origin: germline.

NM_001005361.3(DNM2):c.1747A>G (p.Lys583Glu)

Gene: DNM2 (dynamin 2; plus strand). Cytogenetic location: 19p13.2.
Variant type: single nucleotide variant.
Coding change: c.1747A>G on transcript NM_001005361.3 (MANE Select); coding-DNA position 1747, A replaced by G.
Protein change: p.Lys583Glu; replaces lysine 583 with glutamic acid.
Molecular consequence: missense variant.
Genome position (GRCh38, 1-based): chr19:10,820,055, A>G. VCF-style: chr19-10820055-A-G. GRCh37 (hg19) VCF-style: chr19-10930731-A-G.
Other names: c.1747A>G, p.Lys583Glu (NM_001005360.3, NM_001190716.2); c.1735A>G, p.Lys579Glu (NM_001005362.3, NM_004945.4); short protein forms K583E, K579E.
Identifiers: ClinVar variation 585793 (VCV000585793.9), dbSNP rs1568318798, ClinGen allele CA404040468.